The following is an entry in ClinVar:

NM_001142784.3(IL11RA):c.365C>T (p.Ala122Val)

Gene: IL11RA (interleukin 11 receptor subunit alpha; plus strand). Cytogenetic location: 9p13.3.
Variant type: single nucleotide variant.
Coding change: c.365C>T on transcript NM_001142784.3 (MANE Select); coding-DNA position 365, C replaced by T.
Protein change: p.Ala122Val; replaces alanine 122 with valine.
Molecular consequence: missense variant. On other transcripts: non-coding transcript variant (1).
Genome position (GRCh38, 1-based): chr9:34,657,068, C>T. VCF-style: chr9-34657068-C-T. GRCh37 (hg19) VCF-style: chr9-34657065-C-T.
Other names: short protein forms A122V.
Identifiers: ClinVar variation 2116626 (VCV002116626.4), dbSNP rs1168683694, ClinGen allele CA373287480.

ClinVar aggregate classification (germline): Uncertain significance (1 of 4 stars; one submission).

gnomAD v4.1: 1 of 1,614,162 alleles (0.000062%); highest among the groups gnomAD compares: Non-Finnish European, 0.000085%; no homozygotes.

Submission:

Labcorp Genetics (formerly Invitae), Labcorp
Classification: Uncertain significance. Last evaluated: 2022-03-24. Review status: criteria provided, single submitter. Criteria: Invitae Variant Classification Sherloc (09022015). Collection method: clinical testing. Allele origin: germline.
Comment: In summary, the available evidence is currently insufficient to determine the role of this variant in disease. Therefore, it has been classified as a Variant of Uncertain Significance. This variant has not been reported in the literature in individuals affected with IL11RA-related conditions. This variant is not present in population databases (gnomAD no frequency). This sequence change replaces alanine, which is neutral and non-polar, with valine, which is neutral and non-polar, at codon 122 of the IL11RA protein (p.Ala122Val). Algorithms developed to predict the effect of missense changes on protein structure and function are either unavailable or do not agree on the potential impact of this missense change (SIFT: "Tolerated"; PolyPhen-2: "Probably Damaging"; Align-GVGD: "Class C0").